The following is an entry in ClinVar:

NM_000088.4(COL1A1):c.1354-6_1359del

Gene: COL1A1 (collagen type I alpha 1 chain; minus strand). Cytogenetic location: 17q21.33.
Variant type: Deletion.
Coding change: c.1354-6_1359del on transcript NM_000088.4 (MANE Select); 6 bases into the intron before coding-DNA position 1354 through coding-DNA position 1359, 12 bases deleted (CTCCAGGGCCCT).
Molecular consequence: splice acceptor variant.
Genome position (GRCh38, 1-based): chr17:50,194,823-50,194,834, AGGGCCCTGGAG deleted on the plus strand (CTCCAGGGCCCT on the coding strand, the reverse complement: COL1A1 is on the minus strand); deleting any 12 consecutive bases within chr17:50,194,823-50,194,840 gives the same sequence; the c. name uses the placement nearest the transcript's 3' end. VCF-style (leftmost placement, unchanged base first): chr17-50194822-CAGGGCCCTGGAG-C. GRCh37 (hg19) VCF-style: chr17-48272183-CAGGGCCCTGGAG-C.
Identifiers: ClinVar variation 2042001 (VCV002042001.4), dbSNP rs2509222757, ClinGen allele CA2580094440.
Genomic context (GRCh38, chr17:50,194,822, plus strand): 5'-CACCTCGAGCTCCTCGCTTTCCTTCCTCTCCAGCAGGGCCAGGGGGTCCTTGAACACCAA[CAGGGCCCTGGAG>C]AGGGCCGAGAGGAGGAGGCGGCCTGTGGTGAGGGGCCATCCTGTGCCAGCCTCAGAGCCG-3'

ClinVar aggregate classification (germline): Likely pathogenic (1 of 4 stars; one submission).

Conditions:
Osteogenesis imperfecta type I (OI1). Also called: OI, TYPE I; OSTEOGENESIS IMPERFECTA TARDA; OSTEOGENESIS IMPERFECTA WITH BLUE SCLERAE; Classic Non-deforming Osteogenesis Imperfecta with Blue Sclerae; Lobstein disease; Osteogenesis imperfecta type 1. Identifiers: Orphanet 216796, Orphanet 666, MedGen C0023931, MONDO:0008146, OMIM 166200. Disease mechanism: loss of function.

Submission:

Labcorp Genetics (formerly Invitae), Labcorp
Classification: Likely pathogenic for Osteogenesis imperfecta type I. Last evaluated: 2021-12-13. Review status: criteria provided, single submitter. Criteria: Invitae Variant Classification Sherloc (09022015). Collection method: clinical testing. Allele origin: germline.
Comment: Disruption of this splice site has been observed in individual(s) with clinical features of osteogenesis imperfecta (Invitae). In summary, the currently available evidence indicates that the variant is pathogenic, but additional data are needed to prove that conclusively. Therefore, this variant has been classified as Likely Pathogenic. Algorithms developed to predict the effect of sequence changes on RNA splicing suggest that this variant may disrupt the consensus splice site. This variant is not present in population databases (gnomAD no frequency). This sequence change affects a splice site in intron 20 of the COL1A1 gene. It is expected to disrupt RNA splicing. Variants that disrupt the donor or acceptor splice site typically lead to a loss of protein function (PMID: 16199547), and loss-of-function variants in COL1A1 are known to be pathogenic (PMID: 7942841, 9295084, 9443882).

Literature cited by the submitters: PubMed 16199547; PubMed 7942841; PubMed 9295084; PubMed 9443882.